The following is an entry in ClinVar:

NM_004311.4(ARL3):c.535G>A (p.Ala179Thr)

Gene: ARL3 (ARF like GTPase 3; minus strand). Cytogenetic location: 10q24.32.
Variant type: single nucleotide variant.
Coding change: c.535G>A on transcript NM_004311.4 (MANE Select); coding-DNA position 535, G replaced by A.
Protein change: p.Ala179Thr; replaces alanine 179 with threonine.
Molecular consequence: missense variant.
Genome position (GRCh38, 1-based): chr10:102,676,908, C>T on the plus strand (G>A on the coding strand, the complement: ARL3 is on the minus strand). VCF-style: chr10-102676908-C-T. GRCh37 (hg19) VCF-style: chr10-104436665-C-T.
Other names: c.535G>A (NM_004311.3); short protein forms A179T.
Identifiers: ClinVar variation 1356653 (VCV001356653.7), dbSNP rs376548476, ClinGen allele CA5668401.

ClinVar aggregate classification (germline): Uncertain significance. Review status: criteria provided, multiple submitters, no conflicts (2 of 4 stars). 2 submissions from 2 submitters: Uncertain significance (2). Last evaluated 2024-07-02.

Conditions:
Inborn genetic diseases. Identifiers: MedGen C0950123, MeSH D030342.

Allele frequency attached by ClinVar (database versions not stated): ExAC 0.00004.
gnomAD v4.1: 24 of 1,614,192 alleles (0.0015%); highest among the groups gnomAD compares: East Asian, 0.013%; no homozygotes.

Submissions (2):

Ambry Genetics
Classification: Uncertain significance for Inborn genetic diseases. Last evaluated: 2024-07-02. Review status: criteria provided, single submitter. Criteria: Ambry Variant Classification Scheme 2023. Collection method: clinical testing. Allele origin: germline.

Labcorp Genetics (formerly Invitae), Labcorp
Classification: Uncertain significance. Last evaluated: 2022-02-01. Review status: criteria provided, single submitter. Criteria: Invitae Variant Classification Sherloc (09022015). Collection method: clinical testing. Allele origin: germline.
Comment: In summary, the available evidence is currently insufficient to determine the role of this variant in disease. Therefore, it has been classified as a Variant of Uncertain Significance. Algorithms developed to predict the effect of missense changes on protein structure and function are either unavailable or do not agree on the potential impact of this missense change (SIFT: "Deleterious"; PolyPhen-2: "Benign"; Align-GVGD: "Class C0"). This variant has not been reported in the literature in individuals affected with ARL3-related conditions. This variant is present in population databases (rs376548476, gnomAD 0.03%). This sequence change replaces alanine, which is neutral and non-polar, with threonine, which is neutral and polar, at codon 179 of the ARL3 protein (p.Ala179Thr).